The following is an entry in ClinVar:

ClinVar aggregate classification (germline): Pathogenic/Likely pathogenic. Review status: criteria provided, multiple submitters, no conflicts (2 of 4 stars). 2 submissions from 2 submitters: Pathogenic (1); Likely pathogenic (1). Last evaluated 2024-03-01.

Conditions:
Actin accumulation myopathy (CMYO2A). Also called: Nemaline myopathy type 3; Myopathy, actin, congenital, with excess of thin myofilaments; CONGENITAL MYOPATHY 2A, TYPICAL, AUTOSOMAL DOMINANT; Myopathy, actin, congenital, with cores; Nemaline myopathy 3, with intranuclear rods. Identifiers: Orphanet 98904, MedGen C3711389, MONDO:0008070, OMIM 161800.
Neuromuscular disease. Also called: Neuromyopathy; Neuromuscular disorder. Identifiers: Orphanet 68381, MedGen C0027868, MeSH D009468, MONDO:0019056.

Submissions (2):

Muscle and Diseases Team, Institut de Génétique et Biologie Moléculaire et Cellulaire
Classification: Pathogenic for Actin accumulation myopathy. Last evaluated: 2024-03-01. Review status: criteria provided, single submitter. Criteria: ACMG Guidelines, 2015. Collection method: research. Allele origin: de novo. Affected: yes. Observed: 1 variant allele.
Comment: PS2+PM1+PM2+PP1+PP2+PP3

Harry Perkins Institute Of Medical Research, University Of Western Australia
Classification: Likely pathogenic for Neuromuscular disease. Last evaluated: 2020-06-11. Review status: criteria provided, single submitter. Criteria: ACMG Guidelines, 2015. Collection method: literature only. Allele origin: unknown. Affected: yes. Observed: 1 variant allele.

Literature cited by the submitters: DOI 10.1186/s13073-024-01353-0 (cited by Muscle and Diseases Team, Institut de Génétique et Biologie Moléculaire et Cellulaire); PubMed 32528171 (cited by Harry Perkins Institute Of Medical Research, University Of Western Australia).

NM_001100.4(ACTA1):c.440C>T (p.Ser147Phe)

Gene: ACTA1 (actin alpha 1, skeletal muscle; minus strand). Cytogenetic location: 1q42.13.
Variant type: single nucleotide variant.
Coding change: c.440C>T on transcript NM_001100.4 (MANE Select); coding-DNA position 440, C replaced by T.
Protein change: p.Ser147Phe; replaces serine 147 with phenylalanine.
Molecular consequence: missense variant.
Genome position (GRCh38, 1-based): chr1:229,432,570, G>A on the plus strand (C>T on the coding strand, the complement: ACTA1 is on the minus strand). VCF-style: chr1-229432570-G-A. GRCh37 (hg19) VCF-style: chr1-229568317-G-A.
Other names: short protein forms S147F.
Identifiers: ClinVar variation 2582810 (VCV002582810.3), dbSNP rs2527438844, ClinGen allele CA345149135.
Genomic context (GRCh38, chr1:229,432,570, plus strand): 5'-GCGGGGGCGGGGGCGGGAGAGGGGACTGGGGGCAGCGGGCACTCACCGGTGGTCCTGCCG[G>A]AGGCGTAGAGGGACAGCACGGCCTGGATGGCCACGTACATGGCGGGCACGTTGAAGGTCT-3'
Protein context (NP_001091.1, residues 137-157): AIQAVLSLYA[Ser147Phe]GRTTGIVLDS